The following is an entry in ClinVar:

NM_006660.5(CLPX):c.37G>T (p.Ala13Ser)

Gene: CLPX (caseinolytic mitochondrial matrix peptidase chaperone subunit X; minus strand). Cytogenetic location: 15q22.31.
Variant type: single nucleotide variant.
Coding change: c.37G>T on transcript NM_006660.5 (MANE Select); coding-DNA position 37, G replaced by T.
Protein change: p.Ala13Ser; replaces alanine 13 with serine.
Molecular consequence: missense variant. On other transcripts: non-coding transcript variant (1).
Genome position (GRCh38, 1-based): chr15:65,185,117, C>A on the plus strand (G>T on the coding strand, the complement: CLPX is on the minus strand). VCF-style: chr15-65185117-C-A. GRCh37 (hg19) VCF-style: chr15-65477455-C-A.
Other names: short protein forms A13S.
Identifiers: ClinVar variation 4696629 (VCV004696629.1).
Genomic context (GRCh38, chr15:65,185,117, plus strand): 5'-GTGGCACTATTTCGTTACCTCTCTGCGCGGAGGCGAGTGAGGAGGTGATGAGCCGGACGG[C>A]CGCCGCGCCGCAAGTACAAGCACCGCAGCTGGGCATCTCCGCGAGGCCTAGGCCGGGGCT-3'
Protein context (NP_006651.2, residues 3-23): SCGACTCGAA[Ala13Ser]VRLITSSLAS

ClinVar aggregate classification (germline): Uncertain significance (1 of 4 stars; one submission).

gnomAD v4.1: 6 of 1,580,448 alleles (0.00038%); highest among the groups gnomAD compares: Non-Finnish European, 0.00052%; no homozygotes.

Submission:

Labcorp Genetics (formerly Invitae), Labcorp
Classification: Uncertain significance. Last evaluated: 2025-12-02. Review status: criteria provided, single submitter. Criteria: Invitae Variant Classification Sherloc (09022015). Collection method: clinical testing. Allele origin: germline.
Comment: This sequence change replaces alanine, which is neutral and non-polar, with serine, which is neutral and polar, at codon 13 of the CLPX protein (p.Ala13Ser). This variant is not present in population databases (gnomAD no frequency). This variant has not been reported in the literature in individuals affected with CLPX-related conditions. An algorithm developed to predict the effect of missense changes on protein structure and function (PolyPhen-2) suggests that this variant is likely to be tolerated. In summary, the available evidence is currently insufficient to determine the role of this variant in disease. Therefore, it has been classified as a Variant of Uncertain Significance.